The following is an entry in ClinVar:

ClinVar aggregate classification (germline): Uncertain significance (1 of 4 stars; one submission).

Conditions:
Hereditary cancer-predisposing syndrome. Also called: Tumor predisposition; Neoplastic Syndromes, Hereditary; Hereditary Cancer Syndrome; Hereditary neoplastic syndrome. Identifiers: Orphanet 140162, MedGen C0027672, MeSH D009386, MONDO:0015356.

Submission:

Ambry Genetics
Classification: Uncertain significance for Hereditary cancer-predisposing syndrome. Last evaluated: 2024-09-30. Review status: criteria provided, single submitter. Criteria: Ambry Variant Classification Scheme 2023. Collection method: clinical testing. Allele origin: germline.
Comment: The p.I846M variant (also known as c.2538T>G), located in coding exon 15 of the DICER1 gene, results from a T to G substitution at nucleotide position 2538. The isoleucine at codon 846 is replaced by methionine, an amino acid with highly similar properties. This amino acid position is conserved. In addition, the in silico prediction for this alteration is inconclusive. Based on the available evidence, the clinical significance of this variant remains unclear.

NM_177438.3(DICER1):c.2538T>G (p.Ile846Met)

Gene: DICER1 (dicer 1, ribonuclease III; minus strand). Cytogenetic location: 14q32.13.
Variant type: single nucleotide variant.
Coding change: c.2538T>G on transcript NM_177438.3 (MANE Select); coding-DNA position 2538, T replaced by G.
Protein change: p.Ile846Met; replaces isoleucine 846 with methionine.
Molecular consequence: missense variant. On other transcripts: non-coding transcript variant (6).
Genome position (GRCh38, 1-based): chr14:95,107,992, A>C on the plus strand (T>G on the coding strand, the complement: DICER1 is on the minus strand). VCF-style: chr14-95107992-A-C. GRCh37 (hg19) VCF-style: chr14-95574329-A-C.
Other names: c.2538T>G, p.Ile846Met (NM_001195573.1, NM_001271282.3, NM_001291628.2 and 12 more transcripts); c.2256T>G, p.Ile752Met (NM_001395686.1); c.2133T>G, p.Ile711Met (NM_001395687.1, NM_001395688.1, NM_001395689.1 and 2 more transcripts); c.1971T>G, p.Ile657Met (NM_001395691.1); c.855T>G, p.Ile285Met (NM_001395697.1); short protein forms I711M, I752M, I285M, I846M, I657M.
Identifiers: ClinVar variation 3501830 (VCV003501830.1).
Genomic context (GRCh38, chr14:95,107,992, plus strand): 5'-TTCTAGTGCAGGTTTTTCAAGCCGAAGAATATGTGAGAATATATACTGGTGAAGTCTTGT[A>C]ATCAACTCAAGCATTTGTAGAGACAACATGAAACCAGACTTCTTCAACTCAATGGATATG-3'
Protein context (NP_803187.1, residues 836-856): FMLSLQMLEL[Ile846Met]TRLHQYIFSH